The following is an entry in ClinVar:

ClinVar aggregate classification (germline): Benign/Likely benign. Review status: criteria provided, multiple submitters, no conflicts (2 of 4 stars). 13 submissions from 12 submitters: Benign (10); Likely benign (2). 1 of the submissions does not count toward it. Last evaluated 2026-02-04.

Conditions:
Usher syndrome type 1 (USH1). Also called: RETINITIS PIGMENTOSA AND CONGENITAL DEAFNESS. Identifiers: Orphanet 231169, Orphanet 886, MedGen C1568247, MONDO:0010168, OMIM 276900.
Usher syndrome type 1F (USH1F). Also called: USHER SYNDROME, TYPE IF. Identifiers: Orphanet 231169, Orphanet 886, MedGen C1865885, MONDO:0011186, OMIM 602083.
Autosomal recessive nonsyndromic hearing loss 23. Identifiers: Orphanet 90636, MedGen C1836027, MONDO:0012293, OMIM 609533.

Allele frequency attached by ClinVar (database versions not stated): gnomAD 0.01517 and 0.01464; TOPMed 0.01542; ESP Exome Variant Server 0.01676; 1000 Genomes Project 30x 0.00687; 1000 Genomes Project 0.00719; ExAC 0.01349; gnomAD exomes 0.01385.
gnomAD v4.1: 30,765 of 1,613,494 alleles (1.9%); highest among the groups gnomAD compares: Non-Finnish European, 2.3%; 337 homozygotes.

Submissions (13):

Labcorp Genetics (formerly Invitae), Labcorp
Classification: Benign. Last evaluated: 2026-02-04. Review status: criteria provided, single submitter. Criteria: Invitae Variant Classification Sherloc (09022015). Collection method: clinical testing. Allele origin: germline.

Mayo Clinic Laboratories, Mayo Clinic
Classification: Benign. Last evaluated: 2021-08-11. Review status: criteria provided, single submitter. Criteria: ACMG Guidelines, 2015. Collection method: clinical testing. Allele origin: germline. Observed: 8 variant alleles.

Genome-Nilou Lab
Classification: Benign for Autosomal recessive nonsyndromic hearing loss 23. Last evaluated: 2021-07-14. Review status: criteria provided, single submitter. Criteria: ACMG Guidelines, 2015. Collection method: clinical testing. Allele origin: germline. Affected: no.

Genome-Nilou Lab
Classification: Benign for Usher syndrome type 1F. Last evaluated: 2021-07-14. Review status: criteria provided, single submitter. Criteria: ACMG Guidelines, 2015. Collection method: clinical testing. Allele origin: germline. Affected: no.

Pars Genome Lab
Classification: Benign for Usher syndrome type 1F. Last evaluated: 2021-05-18. Review status: criteria provided, single submitter. Criteria: ACMG Guidelines, 2015. Collection method: clinical testing. Allele origin: germline. Affected: no.

Women's Health and Genetics/Laboratory Corporation of America, LabCorp
Classification: Benign. Last evaluated: 2019-08-08. Review status: criteria provided, single submitter. Criteria: LabCorp Variant Classification Summary - May 2015. Collection method: clinical testing. Allele origin: germline.

Athena Diagnostics
Classification: Benign. Last evaluated: 2018-08-31. Review status: criteria provided, single submitter. Criteria: Athena Diagnostics Criteria. Collection method: clinical testing. Allele origin: germline.

Illumina Laboratory Services, Illumina
Classification: Likely benign for Usher syndrome type 1. Last evaluated: 2018-01-12. Review status: criteria provided, single submitter. Criteria: ICSL Variant Classification Criteria 13 December 2019. Collection method: clinical testing. Allele origin: germline.
Comment: This variant was observed in the ICSL laboratory as part of a predisposition screen in an ostensibly healthy population. It had not been previously curated by ICSL or reported in the Human Gene Mutation Database (HGMD: prior to June 1st, 2018), and was therefore a candidate for classification through an automated scoring system. Utilizing variant allele frequency, disease prevalence and penetrance estimates, and inheritance mode, an automated score was calculated to assess if this variant is too frequent to cause the disease. Based on the score and internal cut-off values, a variant classified as likely benign is not then subjected to further curation. The score for this variant resulted in a classification of likely benign for this disease.

GeneDx
Classification: Benign. Last evaluated: 2013-02-11. Review status: criteria provided, single submitter. Criteria: GeneDx Variant Classification (06012015). Collection method: clinical testing. Allele origin: germline. Affected: yes.
Comment: This variant is considered likely benign or benign based on one or more of the following criteria: it is a conservative change, it occurs at a poorly conserved position in the protein, it is predicted to be benign by multiple in silico algorithms, and/or has population frequency not consistent with disease.

Laboratory for Molecular Medicine, Mass General Brigham Personalized Medicine
Classification: Benign. Last evaluated: 2010-07-25. Review status: criteria provided, single submitter. Criteria: LMM Criteria. Collection method: clinical testing. Allele origin: germline. Observed: 71 variant alleles.
Comment: This variant is not expected to have clinical significance because it does not a lter an amino acid residue, is not located near a splice junction and is listed in dbSNP(rs34164469 - 2 submissions).

Breakthrough Genomics
Classification: Likely benign. Review status: criteria provided, single submitter. Criteria: ACMG Guidelines, 2015. Collection method: not provided. Allele origin: germline. Inheritance: Autosomal recessive inheritance. Affected: yes.

PreventionGenetics, part of Exact Sciences
Classification: Benign. Review status: criteria provided, single submitter. Criteria: ACMG Guidelines, 2015. Collection method: clinical testing. Allele origin: germline.

Natera, Inc.
Classification: Benign for Usher syndrome type 1F. Last evaluated: 2019-09-09. Review status: no assertion criteria provided. Collection method: clinical testing. Allele origin: germline. Not counted in ClinVar's aggregate classification.

Literature cited by the submitters: PubMed 15660226 (cited by Athena Diagnostics and Laboratory for Molecular Medicine, Mass General Brigham Personalized Medicine).

NM_001384140.1(PCDH15):c.546A>G (p.Gly182=)

Gene: PCDH15 (protocadherin related 15; minus strand). Cytogenetic location: 10q21.1.
Variant type: single nucleotide variant.
Coding change: c.546A>G on transcript NM_001384140.1 (MANE Select); coding-DNA position 546, A replaced by G.
Protein change: p.Gly182=; no amino-acid change (glycine 182 retained).
Molecular consequence: synonymous variant.
Genome position (GRCh38, 1-based): chr10:54,346,413, T>C on the plus strand (A>G on the coding strand, the complement: PCDH15 is on the minus strand). VCF-style: chr10-54346413-T-C. GRCh37 (hg19) VCF-style: chr10-56106173-T-C.
Other names: p.G182G:GGA>GGG; p.Gly182=; c.561A>G, p.Gly187= (NM_001142763.2, NM_001142769.4, NM_001142771.2); c.546A>G, p.Gly182= (NM_001142764.2, NM_001142765.2, NM_001142766.2 and 8 more transcripts); c.480A>G, p.Gly160= (NM_001142768.2, NM_001142773.2, NM_001354404.2).
Identifiers: ClinVar variation 46501 (VCV000046501.27), dbSNP rs34164469, ClinGen allele CA138475.
Genomic context (GRCh38, chr10:54,346,413, plus strand): 5'-GTATTTACATACCGGATCATCTGGATTATACTGAATAACATACTCTATCTGTCCATTTGG[T>C]CCATCATCTATATCTGTAGCTCCATTGTCTCCTGAAAATCCTGTGAATATTGTGGTACCA-3'
Protein context (NP_001371069.1, residues 172-192): GDNGATDIDD[Gly182=]PNGQIEYVIQ